The following is an entry in ClinVar:

NM_018136.5(ASPM):c.7033T>C (p.Phe2345Leu)

Gene: ASPM (assembly factor for spindle microtubules; minus strand). Cytogenetic location: 1q31.3.
Variant type: single nucleotide variant.
Coding change: c.7033T>C on transcript NM_018136.5 (MANE Select); coding-DNA position 7033, T replaced by C.
Protein change: p.Phe2345Leu; replaces phenylalanine 2345 with leucine.
Molecular consequence: missense variant. On other transcripts: intron variant (1).
Genome position (GRCh38, 1-based): chr1:197,102,218, A>G on the plus strand (T>C on the coding strand, the complement: ASPM is on the minus strand). VCF-style: chr1-197102218-A-G. GRCh37 (hg19) VCF-style: chr1-197071348-A-G.
Other names: c.4066-6054T>C (NM_001206846.2); short protein forms F2345L.
Identifiers: ClinVar variation 1216241 (VCV001216241.5), dbSNP rs761572391, ClinGen allele CA1309471.

ClinVar aggregate classification (germline): Conflicting classifications of pathogenicity. Review status: criteria provided, conflicting classifications (1 of 4 stars). 2 submissions from 2 submitters: Uncertain significance (1); Likely benign (1). Last evaluated 2022-08-04.

Allele frequency attached by ClinVar (database versions not stated): gnomAD 0.00003 and 0.00004; gnomAD exomes 0.00010 and 0.00024; TOPMed 0.00011; ExAC 0.00022.

Submissions (2):

Labcorp Genetics (formerly Invitae), Labcorp
Classification: Uncertain significance. Last evaluated: 2022-08-04. Review status: criteria provided, single submitter. Criteria: Invitae Variant Classification Sherloc (09022015). Collection method: clinical testing. Allele origin: germline.
Comment: This sequence change replaces phenylalanine, which is neutral and non-polar, with leucine, which is neutral and non-polar, at codon 2345 of the ASPM protein (p.Phe2345Leu). This variant is present in population databases (rs761572391, gnomAD 0.2%). This variant has not been reported in the literature in individuals affected with ASPM-related conditions. ClinVar contains an entry for this variant (Variation ID: 1216241). Algorithms developed to predict the effect of missense changes on protein structure and function output the following: SIFT: "Tolerated"; PolyPhen-2: "Possibly Damaging"; Align-GVGD: "Class C0". The leucine amino acid residue is found in multiple mammalian species, which suggests that this missense change does not adversely affect protein function. In summary, the available evidence is currently insufficient to determine the role of this variant in disease. Therefore, it has been classified as a Variant of Uncertain Significance.

GeneDx
Classification: Likely benign. Last evaluated: 2019-08-20. Review status: criteria provided, single submitter. Criteria: GeneDx Variant Classification Process June 2021. Collection method: clinical testing. Allele origin: germline. Affected: yes.